The following is an entry in ClinVar:

NM_002055.5(GFAP):c.1171+20G>C

Gene: GFAP (glial fibrillary acidic protein; minus strand). Cytogenetic location: 17q21.31.
Variant type: single nucleotide variant.
Coding change: c.1171+20G>C on transcript NM_002055.5 (MANE Select); 20 bases into the intron after coding-DNA position 1171, G replaced by C.
Molecular consequence: intron variant. On other transcripts: synonymous variant (1).
Genome position (GRCh38, 1-based): chr17:44,910,595, C>G on the plus strand (G>C on the coding strand, the complement: GFAP is on the minus strand). VCF-style: chr17-44910595-C-G. GRCh37 (hg19) VCF-style: chr17-42987963-C-G.
Other names: c.1191G>C (NM_001242376.1); c.1191G>C, p.Ser397= (NM_001242376.3); c.1171+20G>C (NM_001363846.2, NM_001131019.3).
Identifiers: ClinVar variation 1917982 (VCV001917982.24), dbSNP rs369540242, ClinGen allele CA8608731.
Genomic context (GRCh38, chr17:44,910,595, plus strand): 5'-CCCAGTCTGGAGCAACCTACAGGCCCTGGAGGAGGGGGCAGGACTCCAGTGCCCTTCCCA[C>G]GAGGCCCTGCTGTACTGACCTCGAATCTGCAGGTTGGAGAAGGTCTGCACGGGAATGGTG-3'

ClinVar aggregate classification (germline): Likely benign. Review status: criteria provided, multiple submitters, no conflicts (2 of 4 stars). 3 submissions from 3 submitters: Likely benign (2). 1 of the submissions does not count toward it. Last evaluated 2026-09-01.

Conditions:
GFAP-related disorder. Also called: GFAP-related condition; GFAP-related disorders.

gnomAD v4.1: 26 of 1,567,154 alleles (0.0017%); highest among the groups gnomAD compares: Middle Eastern, 0.05%; no homozygotes.

Submissions (3):

CeGaT Center for Human Genetics Tuebingen
Classification: Likely benign. Last evaluated: 2026-09-01. Review status: criteria provided, single submitter. Criteria: CeGaT Center For Human Genetics Tuebingen Variant Classification Criteria Version 2. Collection method: clinical testing. Allele origin: germline. Affected: yes. Observed: 3 variant alleles.
Comment: GFAP: BP4, BP7

Labcorp Genetics (formerly Invitae), Labcorp
Classification: Likely benign. Last evaluated: 2022-06-23. Review status: criteria provided, single submitter. Criteria: Invitae Variant Classification Sherloc (09022015). Collection method: clinical testing. Allele origin: germline.

PreventionGenetics, part of Exact Sciences
Classification: Likely benign for GFAP-related condition. Last evaluated: 2022-12-12. Review status: no assertion criteria provided. Collection method: clinical testing. Allele origin: germline. Not counted in ClinVar's aggregate classification.
Comment: This variant is classified as likely benign based on ACMG/AMP sequence variant interpretation guidelines (Richards et al. 2015 PMID: 25741868, with internal and published modifications).